The following is an entry in ClinVar:

NM_024334.3(TMEM43):c.531A>T (p.Ser177=)

Gene: TMEM43 (transmembrane protein 43; plus strand). Cytogenetic location: 3p25.1.
Variant type: single nucleotide variant.
Coding change: c.531A>T on transcript NM_024334.3 (MANE Select); coding-DNA position 531, A replaced by T.
Protein change: p.Ser177=; no amino-acid change (serine 177 retained).
Molecular consequence: synonymous variant.
Genome position (GRCh38, 1-based): chr3:14,133,757, A>T. VCF-style: chr3-14133757-A-T. GRCh37 (hg19) VCF-style: chr3-14175257-A-T.
Identifiers: ClinVar variation 927284 (VCV000927284.3), dbSNP rs1695130809, ClinGen allele CA432551566.

ClinVar aggregate classification (germline): Likely benign. Review status: criteria provided, multiple submitters, no conflicts (2 of 4 stars). 2 submissions from 2 submitters: Likely benign (2). Last evaluated 2023-06-15.

Conditions:
Arrhythmogenic right ventricular dysplasia 5. Also called: Arrhythmogenic Right Ventricular Dysplasia/Cardiomyopathy 5; ARRHYTHMOGENIC RIGHT VENTRICULAR DYSPLASIA, FAMILIAL, 5. Identifiers: MedGen C1858379, MONDO:0011459, OMIM 604400.
Cardiomyopathy (CMYO). Also called: Cardiomyopathies. Identifiers: Orphanet 167848, MedGen C0878544, MONDO:0004994, HP:0001638. Inheritance: Various modes of inheritance.

Submissions (2):

All of Us Research Program, National Institutes of Health
Classification: Likely benign for Arrhythmogenic right ventricular dysplasia 5. Last evaluated: 2023-06-15. Review status: criteria provided, single submitter. Criteria: ACMG Guidelines, 2015. Collection method: clinical testing. Allele origin: germline. Inheritance: Autosomal dominant inheritance. Observed: 1 variant allele, 1 heterozygote.
Comment: This study involves interpretation of variants in research participants for the purpose of population health screening. Participant phenotype was not available at the time of variant classification. Additional details can be found in publication PMID: 35346344, PMCID: PMC8962531

Color Diagnostics, LLC DBA Color Health
Classification: Likely benign for Cardiomyopathy. Last evaluated: 2019-06-18. Review status: criteria provided, single submitter. Criteria: ACMG Guidelines, 2015. Collection method: clinical testing. Allele origin: germline.